The following is an entry in ClinVar:

ClinVar aggregate classification (germline): Uncertain significance. Review status: criteria provided, multiple submitters, no conflicts (2 of 4 stars). 4 submissions from 4 submitters: Uncertain significance (4). Last evaluated 2025-10-15.

Conditions:
GSN-related disorder. Also called: GSN-related condition.
Inborn genetic diseases. Identifiers: MedGen C0950123, MeSH D030342.
Finnish type amyloidosis. Also called: Amyloidosis, familial, Finnish type; Meretoja type amyloidosis; Amyloidosis 5; AMYLOIDOSIS, HEREDITARY SYSTEMIC 4, FINNISH TYPE; AMYLOID CRANIAL NEUROPATHY WITH LATTICE CORNEAL DYSTROPHY; AMYLOIDOSIS DUE TO MUTANT GELSOLIN. Identifiers: Orphanet 85448, MedGen C1622345, MONDO:0007097, OMIM 105120.

Submissions (4):

Labcorp Genetics (formerly Invitae), Labcorp
Classification: Uncertain significance. Last evaluated: 2025-10-15. Review status: criteria provided, single submitter. Criteria: Invitae Variant Classification Sherloc (09022015). Collection method: clinical testing. Allele origin: germline.
Comment: This sequence change creates a premature translational stop signal (p.Ala7Argfs*92) in the GSN gene. It is expected to result in an absent or disrupted protein product. However, the current clinical and genetic evidence is not sufficient to establish whether loss-of-function variants in GSN cause disease. The frequency data for this variant in the population databases is considered unreliable, as metrics indicate poor data quality at this position in the gnomAD database. This variant has not been reported in the literature in individuals affected with GSN-related conditions. ClinVar contains an entry for this variant (Variation ID: 2187411). In summary, the available evidence is currently insufficient to determine the role of this variant in disease. Therefore, it has been classified as a Variant of Uncertain Significance.

PreventionGenetics, part of Exact Sciences
Classification: Uncertain significance for GSN-related condition. Last evaluated: 2025-04-25. Review status: criteria provided, single submitter. Criteria: ACMG Guidelines, 2015. Collection method: clinical testing. Allele origin: germline.
Comment: The GSN c.18delC variant is predicted to result in a frameshift and premature protein termination (p.Ala7Argfs*92). To our knowledge, this variant has not been reported in the literature. This variant is reported in 1 individual of Ashkenazi Jewish descent out of ~51,000 total alleles in gnomAD. Loss of function is not an established mechanism of disease in GSN. At this time, the clinical significance of this variant is uncertain due to the absence of conclusive functional and genetic evidence.

Fulgent Genetics
Classification: Uncertain significance for Finnish type amyloidosis. Last evaluated: 2024-04-12. Review status: criteria provided, single submitter. Criteria: ACMG Guidelines, 2015. Collection method: clinical testing. Allele origin: germline.

Ambry Genetics
Classification: Uncertain significance for Inborn genetic diseases. Last evaluated: 2023-05-11. Review status: criteria provided, single submitter. Criteria: Ambry Variant Classification Scheme 2023. Collection method: clinical testing. Allele origin: germline.
Comment: Loss of function has not been established as a mechanism of disease Based on insufficient or conflicting evidence, the clinical significance of this alteration remains unclear.

NM_198252.3(GSN):c.-9-2084del

Gene: GSN (gelsolin; plus strand). Cytogenetic location: 9q33.2.
Variant type: Deletion.
Coding change: c.-9-2084del on transcript NM_198252.3 (MANE Select); 2084 bases into the intron before 9 bases upstream of the start codon, one base deleted (C; older notation c.-9-2084delC).
Molecular consequence: intron variant. On other transcripts: frameshift variant (1).
Genome position (GRCh38, 1-based): chr9:121,299,879, C deleted; the last of 4 consecutive C bases (chr9:121,299,876-121,299,879); deleting any one gives the same sequence. VCF-style (leftmost placement, unchanged base first): chr9-121299875-GC-G. GRCh37 (hg19) VCF-style: chr9-124062153-GC-G.
Other names: c.18delC (NM_000177.4); c.18del, p.Ala7fs (NM_000177.5); c.-9-2084del (NM_001353054.1, NM_001353053.1, NM_001353060.2 and 5 more transcripts); c.-47-177del (NM_001353064.2, NM_001353066.2, NM_001353072.2 and 7 more transcripts); c.-1-2092del (NM_001353058.2, NM_001353059.2, NM_001353056.2 and 1 more transcripts); c.-38-186del (NM_001353073.2, NM_001353065.2, NM_001353068.2 and 2 more transcripts); c.100-2084del (NM_001127663.2); c.-32-192del (NM_001353070.2); and 5 more; short protein forms A7fs.
Identifiers: ClinVar variation 2187411 (VCV002187411.8), dbSNP rs775064692, ClinGen allele CA5220646.
Genomic context (GRCh38, chr9:121,299,875, plus strand): 5'-ACCCGAGGCCGCGGCTGCCGACTGGGTCCCCTGCCGCTGTCGCCACCATGGCTCCGCACC[GC>G]CCCGCGCCCGCGCTGCTTTGCGCGCTGTCCCTGGCGCTGTGCGCGCTGTCGCTGCCCGTC-3'